The following is an entry in ClinVar:

NM_199242.3(UNC13D):c.2637G>A (p.Arg879=)

Genes: UNC13D (unc-13 homolog D; minus strand), LOC112533672 (Sharpr-MPRA regulatory region 1193; plus strand). Cytogenetic location: 17q25.1.
Variant type: single nucleotide variant.
Coding change: c.2637G>A on transcript NM_199242.3 (MANE Select); coding-DNA position 2637, G replaced by A.
Protein change: p.Arg879=; no amino-acid change (arginine 879 retained).
Molecular consequence: synonymous variant.
Genome position (GRCh38, 1-based): chr17:75,830,650, C>T on the plus strand (G>A on the coding strand, the complement: UNC13D is on the minus strand). VCF-style: chr17-75830650-C-T. GRCh37 (hg19) VCF-style: chr17-73826731-C-T.
Other names: p.Arg879=.
Identifiers: ClinVar variation 1148634 (VCV001148634.14), dbSNP rs1372708758, ClinGen allele CA501843300.

ClinVar aggregate classification (germline): Conflicting classifications of pathogenicity. Review status: criteria provided, conflicting classifications (1 of 4 stars). 4 submissions from 4 submitters: Uncertain significance (1); Likely benign (3). Last evaluated 2025-12-16.

Conditions:
Familial hemophagocytic lymphohistiocytosis 3 (FHL3). Also called: UNC13D-Related Familial Hemophagocytic Lymphohistiocytosis (UNC13D-fHLH). Identifiers: Orphanet 540, MedGen C1837174, MONDO:0012146, OMIM 608898.
Autoinflammatory syndrome. Identifiers: Orphanet 93665, MedGen C3890737, MONDO:0019751.

Allele frequency attached by ClinVar (database versions not stated): gnomAD 0.00001; gnomAD exomes 0.00001; TOPMed 0.00001.
gnomAD v4.1: 12 of 1,554,028 alleles (0.00077%); highest among the groups gnomAD compares: Non-Finnish European, 0.001%; no homozygotes.

Submissions (4):

Labcorp Genetics (formerly Invitae), Labcorp
Classification: Likely benign for Familial hemophagocytic lymphohistiocytosis 3. Last evaluated: 2025-12-16. Review status: criteria provided, single submitter. Criteria: Invitae Variant Classification Sherloc (09022015). Collection method: clinical testing. Allele origin: germline.

Mayo Clinic Laboratories, Mayo Clinic
Classification: Likely benign. Last evaluated: 2025-05-14. Review status: criteria provided, single submitter. Criteria: ACMG Guidelines, 2015. Collection method: clinical testing. Allele origin: germline. Observed: 1 variant allele.
Comment: BP4, BP7, PM2_supporting

Blueprint Genetics
Classification: Likely benign. Last evaluated: 2024-09-18. Review status: criteria provided, single submitter. Criteria: ACMG Guidelines, 2015. Collection method: clinical testing. Allele origin: germline.

Genome Diagnostics Laboratory, The Hospital for Sick Children
Classification: Uncertain significance for Autoinflammatory syndrome. Last evaluated: 2016-12-12. Review status: criteria provided, single submitter. Criteria: ACMG Guidelines, 2015. Collection method: clinical testing. Allele origin: germline. Affected: yes.